The following is an entry in ClinVar:

ClinVar aggregate classification (germline): Uncertain significance (1 of 4 stars; one submission).

Conditions:
Hereditary cancer-predisposing syndrome. Also called: Neoplastic Syndromes, Hereditary; Tumor predisposition; Hereditary neoplastic syndrome; Hereditary Cancer Syndrome. Identifiers: Orphanet 140162, MedGen C0027672, MeSH D009386, MONDO:0015356.

Submission:

Ambry Genetics
Classification: Uncertain significance for Hereditary cancer-predisposing syndrome. Last evaluated: 2023-10-28. Review status: criteria provided, single submitter. Criteria: Ambry Variant Classification Scheme 2023. Collection method: clinical testing. Allele origin: germline.
Comment: The p.T1264A variant (also known as c.3790A>G), located in coding exon 20 of the DICER1 gene, results from an A to G substitution at nucleotide position 3790. The threonine at codon 1264 is replaced by alanine, an amino acid with similar properties. This amino acid position is conserved. In addition, this alteration is predicted to be tolerated by in silico analysis. Since supporting evidence is limited at this time, the clinical significance of this alteration remains unclear.

NM_177438.3(DICER1):c.3790A>G (p.Thr1264Ala)

Gene: DICER1 (dicer 1, ribonuclease III; minus strand). Cytogenetic location: 14q32.13.
Variant type: single nucleotide variant.
Coding change: c.3790A>G on transcript NM_177438.3 (MANE Select); coding-DNA position 3790, A replaced by G.
Protein change: p.Thr1264Ala; replaces threonine 1264 with alanine.
Molecular consequence: missense variant. On other transcripts: non-coding transcript variant (6).
Genome position (GRCh38, 1-based): chr14:95,103,606, T>C on the plus strand (A>G on the coding strand, the complement: DICER1 is on the minus strand). VCF-style: chr14-95103606-T-C. GRCh37 (hg19) VCF-style: chr14-95569943-T-C.
Other names: c.3790A>G, p.Thr1264Ala (NM_001195573.1, NM_001271282.3, NM_001291628.2 and 13 more transcripts); c.3508A>G, p.Thr1170Ala (NM_001395686.1); c.3385A>G, p.Thr1129Ala (NM_001395687.1, NM_001395688.1, NM_001395689.1 and 2 more transcripts); c.3223A>G, p.Thr1075Ala (NM_001395691.1); c.2107A>G, p.Thr703Ala (NM_001395697.1); short protein forms T1075A, T1129A, T1170A, T1264A, T703A.
Identifiers: ClinVar variation 3229393 (VCV003229393.1), dbSNP rs2139959463, ClinGen allele CA390873458.